The following is an entry in ClinVar:

NM_004006.2(DMD):c.10453dup (p.Leu3485Profs)

Gene: DMD (dystrophin; minus strand). Cytogenetic location: Xp21.2.
Variant type: Duplication.
Coding change: c.10453dup on transcript NM_004006.2; coding-DNA position 10453, one base duplicated (C; older notation c.10453dupC).
Protein change: p.Leu3485Profs; shifts the reading frame from leucine 3485.
Molecular consequence: frameshift variant (on NM_004006.3). On other transcripts: intron variant (3).
Genome position (GRCh38, 1-based): chrX:31,169,543, G duplicated on the plus strand (C on the coding strand, the reverse complement: DMD is on the minus strand); the first of 6 consecutive G bases (chrX:31,169,543-31,169,548); duplicating any one gives the same sequence. VCF-style (leftmost placement, unchanged base first): chrX-31169542-A-AG. GRCh37 (hg19) VCF-style: chrX-31187659-A-AG.
Other names: c.10453dupC (NM_004006.3, NM_004006.2); c.2843+9126dup (NM_004020.3, NM_004023.3, NM_004020.4); c.10429dup, p.Leu3477fs (NM_000109.4); c.10453dup, p.Leu3485fs (NM_004006.3); c.10441dup, p.Leu3481fs (NM_004009.3); c.10084dup, p.Leu3362fs (NM_004010.3); c.6430dup, p.Leu2144fs (NM_004011.4); c.6421dup, p.Leu2141fs (NM_004012.4); and 5 more; short protein forms L3481fs, L417fs, L1025fs, L2144fs, L3477fs, L404fs, L3362fs, L1012fs.
Identifiers: ClinVar variation 497301 (VCV000497301.17), dbSNP rs886043375, ClinGen allele CA658799632.

ClinVar aggregate classification (germline): Pathogenic. Review status: criteria provided, multiple submitters, no conflicts (2 of 4 stars). 6 submissions from 6 submitters: Pathogenic (6). Last evaluated 2024-08-08.

Conditions:
Becker muscular dystrophy (BMD). Also called: MUSCULAR DYSTROPHY, PSEUDOHYPERTROPHIC PROGRESSIVE, BECKER TYPE; Becker Muscular Dystrophy (BMD). Identifiers: Orphanet 98895, MedGen C0917713, MONDO:0010311, OMIM 300376.
Duchenne muscular dystrophy (DMD). Also called: MUSCULAR DYSTROPHY, PSEUDOHYPERTROPHIC PROGRESSIVE, DUCHENNE TYPE; Duchenne Muscular Dystrophy (DMD). Identifiers: Orphanet 98896, MedGen C0013264, MONDO:0010679, OMIM 310200.

Submissions (6):

Labcorp Genetics (formerly Invitae), Labcorp
Classification: Pathogenic for Duchenne muscular dystrophy. Last evaluated: 2024-08-08. Review status: criteria provided, single submitter. Criteria: Invitae Variant Classification Sherloc (09022015). Collection method: clinical testing. Allele origin: germline.
Comment: This sequence change creates a premature translational stop signal (p.Leu3485Profs*6) in the DMD gene. It is expected to result in an absent or disrupted protein product. Loss-of-function variants in DMD are known to be pathogenic (PMID: 16770791, 25007885). This variant is not present in population databases (gnomAD no frequency). This premature translational stop signal has been observed in individuals with Duchenne or Becker muscular dystrophy (PMID: 17041906, 21396098, 26911353, 29973226). This variant is also known as c.10454dupC, c.10453_10454insC and c.10453insC. ClinVar contains an entry for this variant (Variation ID: 497301). For these reasons, this variant has been classified as Pathogenic.

Revvity Omics, Revvity
Classification: Pathogenic. Last evaluated: 2023-07-11. Review status: criteria provided, single submitter. Criteria: ACMG Guidelines, 2015. Collection method: clinical testing. Allele origin: germline.

Laboratory of Medical Genetics, National & Kapodistrian University of Athens
Classification: Pathogenic for Becker muscular dystrophy. Last evaluated: 2022-12-16. Review status: criteria provided, single submitter. Criteria: ACMG Guidelines, 2015. Collection method: clinical testing. Allele origin: germline. Affected: yes.
Comment: PVS1, PM2, PP5

Mendelics
Classification: Pathogenic for Duchenne muscular dystrophy. Last evaluated: 2019-05-28. Review status: criteria provided, single submitter. Criteria: Mendelics Assertion Criteria 2017. Collection method: clinical testing. Allele origin: unknown.

Clinical Molecular Genetics Laboratory, Johns Hopkins All Children's Hospital
Classification: Pathogenic for Becker muscular dystrophy. Last evaluated: 2018-10-04. Review status: criteria provided, single submitter. Criteria: ACMG Guidelines, 2015. Collection method: clinical testing. Allele origin: germline. Inheritance: X-linked inheritance. Affected: yes. Observed: 1 hemizygote.

Eurofins Ntd Llc (ga)
Classification: Pathogenic. Last evaluated: 2018-01-04. Review status: criteria provided, single submitter. Criteria: EGL Classification Definitions 2015. Collection method: clinical testing. Allele origin: germline. Observed: 2 variant alleles, 2 hemizygotes.

Literature cited by the submitters: PubMed 16770791 (cited by Labcorp Genetics (formerly Invitae), Labcorp); PubMed 25007885 (cited by Labcorp Genetics (formerly Invitae), Labcorp); PubMed 17041906 (cited by Labcorp Genetics (formerly Invitae), Labcorp); PubMed 21396098 (cited by Labcorp Genetics (formerly Invitae), Labcorp); PubMed 26911353 (cited by Labcorp Genetics (formerly Invitae), Labcorp); PubMed 29973226 (cited by Labcorp Genetics (formerly Invitae), Labcorp).